The following is an entry in ClinVar:

NM_001385125.1(OPN1SW):c.14A>G (p.Glu5Gly)

Gene: OPN1SW (opsin 1, short wave sensitive; minus strand). Cytogenetic location: 7q32.1.
Variant type: single nucleotide variant.
Coding change: c.14A>G on transcript NM_001385125.1 (MANE Select); coding-DNA position 14, A replaced by G.
Protein change: p.Glu5Gly; replaces glutamic acid 5 with glycine.
Molecular consequence: missense variant.
Genome position (GRCh38, 1-based): chr7:128,775,768, T>C on the plus strand (A>G on the coding strand, the complement: OPN1SW is on the minus strand). VCF-style: chr7-128775768-T-C. GRCh37 (hg19) VCF-style: chr7-128415822-T-C.
Other names: short protein forms E5G.
Identifiers: ClinVar variation 1450073 (VCV001450073.6), dbSNP rs1230824295, ClinGen allele CA369223132.

ClinVar aggregate classification (germline): Uncertain significance (1 of 4 stars; one submission).

Submission:

Labcorp Genetics (formerly Invitae), Labcorp
Classification: Uncertain significance. Last evaluated: 2025-03-22. Review status: criteria provided, single submitter. Criteria: Invitae Variant Classification Sherloc (09022015). Collection method: clinical testing. Allele origin: germline.
Comment: This sequence change replaces glutamic acid, which is acidic and polar, with glycine, which is neutral and non-polar, at codon 8 of the OPN1SW protein (p.Glu8Gly). This variant is not present in population databases (gnomAD no frequency). This variant has not been reported in the literature in individuals affected with OPN1SW-related conditions. ClinVar contains an entry for this variant (Variation ID: 1450073). An algorithm developed to predict the effect of missense changes on protein structure and function (PolyPhen-2) suggests that this variant is likely to be tolerated. In summary, the available evidence is currently insufficient to determine the role of this variant in disease. Therefore, it has been classified as a Variant of Uncertain Significance.